The following is an entry in ClinVar:

NM_006031.6(PCNT):c.2124T>G (p.His708Gln)

Gene: PCNT (pericentrin; plus strand). Cytogenetic location: 21q22.3.
Variant type: single nucleotide variant.
Coding change: c.2124T>G on transcript NM_006031.6 (MANE Select); coding-DNA position 2124, T replaced by G.
Protein change: p.His708Gln; replaces histidine 708 with glutamine.
Molecular consequence: missense variant.
Genome position (GRCh38, 1-based): chr21:46,357,161, T>G. VCF-style: chr21-46357161-T-G. GRCh37 (hg19) VCF-style: chr21-47777076-T-G.
Other names: c.1770T>G, p.His590Gln (NM_001315529.2); short protein forms H590Q, H708Q.
Identifiers: ClinVar variation 3358736 (VCV003358736.1).
Genomic context (GRCh38, chr21:46,357,161, plus strand): 5'-CAAAGAAGAAATTGAACTCCTAAAAATAGAAAATAGAAATTTGTATGGGAAGTTGCAGCA[T>G]GAAACTCGTCTGAAGGACGATTTGGAGAAGGTGAGTCGTGACTCCACAGCCCAGCGCCTC-3'
Protein context (NP_006022.3, residues 698-718): ENRNLYGKLQ[His708Gln]ETRLKDDLEK

ClinVar aggregate classification (germline): Uncertain significance (0 of 4 stars; one submission).

Conditions:
PCNT-related disorder. Also called: PCNT-related condition.

gnomAD v4.1: 16 of 1,613,562 alleles (0.00099%); highest among the groups gnomAD compares: African/African-American, 0.021%; no homozygotes.

Submission:

PreventionGenetics, part of Exact Sciences
Classification: Uncertain significance for PCNT-related condition. Last evaluated: 2024-04-05. Review status: no assertion criteria provided. Collection method: clinical testing. Allele origin: germline.
Comment: The PCNT c.2124T>G variant is predicted to result in the amino acid substitution p.His708Gln. To our knowledge, this variant has not been reported in the literature. This variant is reported in 0.036% of alleles in individuals of African descent in gnomAD. At this time, the clinical significance of this variant is uncertain due to the absence of conclusive functional and genetic evidence.